The following is an entry in ClinVar:

ClinVar aggregate classification (germline): Uncertain significance (1 of 4 stars; one submission).

Conditions:
Bethlem myopathy 1A. Also called: Bethlem Muscular Dystrophy; MYOPATHY, BENIGN CONGENITAL, WITH CONTRACTURES; Bethlem myopathy 1. Identifiers: Orphanet 610, MedGen CN029274, MONDO:0024530, OMIM 158810.

Submission:

Labcorp Genetics (formerly Invitae), Labcorp
Classification: Uncertain significance for Bethlem myopathy 1A. Last evaluated: 2022-07-25. Review status: criteria provided, single submitter. Criteria: Invitae Variant Classification Sherloc (09022015). Collection method: clinical testing. Allele origin: germline.
Comment: In summary, the available evidence is currently insufficient to determine the role of this variant in disease. Therefore, it has been classified as a Variant of Uncertain Significance. This variant disrupts the c.6816G nucleotide in the COL6A3 gene. Other variant(s) that disrupt this nucleotide have been determined to be pathogenic (PMID: 18366090). This suggests that this nucleotide is clinically significant, and that variants that disrupt this position are likely to be disease-causing. Variants that disrupt the consensus splice site are a relatively common cause of aberrant splicing (PMID: 17576681, 9536098). Algorithms developed to predict the effect of sequence changes on RNA splicing suggest that this variant may disrupt the consensus splice site. Algorithms developed to predict the effect of missense changes on protein structure and function are either unavailable or do not agree on the potential impact of this missense change (SIFT: "Deleterious"; PolyPhen-2: "Not Available"; Align-GVGD: "Class C65"). ClinVar contains an entry for this variant (Variation ID: 1046523). This variant has not been reported in the literature in individuals affected with COL6A3-related conditions. This variant is not present in population databases (gnomAD no frequency). This sequence change replaces lysine, which is basic and polar, with asparagine, which is neutral and polar, at codon 2272 of the COL6A3 protein (p.Lys2272Asn). This variant also falls at the last nucleotide of exon 27, which is part of the consensus splice site for this exon.

Literature cited by the submitters: PubMed 18366090; PubMed 17576681; PubMed 9536098.

NM_004369.4(COL6A3):c.6816G>C (p.Lys2272Asn)

Gene: COL6A3 (collagen type VI alpha 3 chain; minus strand). Cytogenetic location: 2q37.3.
Variant type: single nucleotide variant.
Coding change: c.6816G>C on transcript NM_004369.4 (MANE Select); coding-DNA position 6816, G replaced by C.
Protein change: p.Lys2272Asn; replaces lysine 2272 with asparagine.
Molecular consequence: missense variant.
Genome position (GRCh38, 1-based): chr2:237,351,130, C>G on the plus strand (G>C on the coding strand, the complement: COL6A3 is on the minus strand). VCF-style: chr2-237351130-C-G. GRCh37 (hg19) VCF-style: chr2-238259773-C-G.
Other names: c.4995G>C, p.Lys1665Asn (NM_057166.5); c.6198G>C, p.Lys2066Asn (NM_057167.4); short protein forms K1665N, K2066N, K2272N.
Identifiers: ClinVar variation 1046523 (VCV001046523.9), dbSNP rs2077197570, ClinGen allele CA351210535.